The following is an entry in ClinVar:

NM_004447.6(EPS8):c.2099T>C (p.Ile700Thr)

Gene: EPS8 (EGFR pathway substrate 8, signaling adaptor; minus strand). Cytogenetic location: 12p12.3.
Variant type: single nucleotide variant.
Coding change: c.2099T>C on transcript NM_004447.6 (MANE Select); coding-DNA position 2099, T replaced by C.
Protein change: p.Ile700Thr; replaces isoleucine 700 with threonine.
Molecular consequence: missense variant.
Genome position (GRCh38, 1-based): chr12:15,624,353, A>G on the plus strand (T>C on the coding strand, the complement: EPS8 is on the minus strand). VCF-style: chr12-15624353-A-G. GRCh37 (hg19) VCF-style: chr12-15777287-A-G.
Other names: short protein forms I700T.
Identifiers: ClinVar variation 667046 (VCV000667046.42), dbSNP rs111934716, ClinGen allele CA6467358.

ClinVar aggregate classification (germline): Benign/Likely benign. Review status: criteria provided, multiple submitters, no conflicts (2 of 4 stars). 5 submissions from 5 submitters: Benign (3); Likely benign (2). Last evaluated 2026-01-19.

Allele frequency attached by ClinVar (database versions not stated): 1000 Genomes Project 0.00040; 1000 Genomes Project 30x 0.00078; TOPMed 0.00168; gnomAD 0.00227 and 0.00241; gnomAD exomes 0.00248; ExAC 0.00304; ESP Exome Variant Server 0.00361.
gnomAD v4.1: 4,011 of 1,606,914 alleles (0.25%); highest among the groups gnomAD compares: Non-Finnish European, 0.28%; 11 homozygotes.

Submissions (5):

Labcorp Genetics (formerly Invitae), Labcorp
Classification: Benign. Last evaluated: 2026-01-19. Review status: criteria provided, single submitter. Criteria: Invitae Variant Classification Sherloc (09022015). Collection method: clinical testing. Allele origin: germline.

CeGaT Center for Human Genetics Tuebingen
Classification: Likely benign. Last evaluated: 2025-10-01. Review status: criteria provided, single submitter. Criteria: CeGaT Center For Human Genetics Tuebingen Variant Classification Criteria Version 2. Collection method: clinical testing. Allele origin: germline. Affected: yes. Observed: 4 variant alleles.
Comment: EPS8: BS2

Blueprint Genetics
Classification: Likely benign. Last evaluated: 2024-11-27. Review status: criteria provided, single submitter. Criteria: ACMG Guidelines, 2015. Collection method: clinical testing. Allele origin: germline.

GeneDx
Classification: Benign. Last evaluated: 2018-07-20. Review status: criteria provided, single submitter. Criteria: GeneDx Variant Classification Process June 2021. Collection method: clinical testing. Allele origin: germline. Affected: yes.

Laboratory for Molecular Medicine, Mass General Brigham Personalized Medicine
Classification: Benign. Last evaluated: 2017-08-23. Review status: criteria provided, single submitter. Criteria: LMM Criteria. Collection method: clinical testing. Allele origin: germline. Observed: 2 variant alleles.
Comment: p.Ile700Thr in exon 19 of EPS8: This variant is not expected to have clinical si gnificance because it has been identified in 1.01% (67/6614) of Finnish chromoso mes by the Exome Aggregation Consortium (ExAC; d bSNP rs111934716).